The following is an entry in ClinVar:

ClinVar aggregate classification (germline): Likely pathogenic (1 of 4 stars; one submission).

Conditions:
Autosomal recessive limb-girdle muscular dystrophy type 2B (LGMDR2). Also called: Limb-girdle muscular dystrophy, type 2B; Limb-Girdle Muscular Dystrophy Type 2B (LGMD2B); MUSCULAR DYSTROPHY, LIMB-GIRDLE, TYPE 3; MUSCULAR DYSTROPHY, LIMB-GIRDLE, AUTOSOMAL RECESSIVE 2. Identifiers: Orphanet 268, MedGen C1850889, MONDO:0009676, OMIM 253601.

Submission:

Broad Center for Mendelian Genomics, Broad Institute of MIT and Harvard
Classification: Likely pathogenic for Autosomal recessive limb-girdle muscular dystrophy type 2B. Last evaluated: 2018-12-03. Review status: criteria provided, single submitter. Criteria: ACMG Guidelines, 2015. Collection method: research. Allele origin: germline. Inheritance: Autosomal recessive inheritance. Affected: yes.
Comment: This variant was absent from large population studies. This variant is predicted to cause a frameshift, which alters the protein's amino acid sequence beginning at position 1038 and leads to a premature termination codon 37 amino acids downstream. This alteration is then predicted to lead to a truncated or absent protein. Loss of function of the DYSF gene is an established disease mechanism for autosomal recessive LGMD, and this is a loss of function variant. In summary, although additional studies are required to fully establish its clinical significance, this variant is likely pathogenic. ACMG/AMP Criteria applied: PM2, PVS1 (Richards 2015).

NM_001130987.2(DYSF):c.3113del (p.Pro1038fs)

Gene: DYSF (dysferlin; plus strand). Cytogenetic location: 2p13.2.
Variant type: Deletion.
Coding change: c.3113del on transcript NM_001130987.2 (MANE Select); coding-DNA position 3113, one base deleted (C; older notation c.3113delC).
Protein change: p.Pro1038fs; shifts the reading frame from proline 1038.
Molecular consequence: frameshift variant.
Genome position (GRCh38, 1-based): chr2:71,570,626, C deleted; the last of 6 consecutive C bases (chr2:71,570,621-71,570,626); deleting any one gives the same sequence. VCF-style (leftmost placement, unchanged base first): chr2-71570620-TC-T. GRCh37 (hg19) VCF-style: chr2-71797750-TC-T.
Other names: c.3062del, p.Pro1021fs (NM_001130455.2, NM_001130983.2); c.3017del, p.Pro1006fs (NM_001130976.2, NM_001130977.2); c.3059del, p.Pro1020fs (NM_001130978.2, NM_003494.4); c.3152del, p.Pro1051fs (NM_001130979.2); c.3110del, p.Pro1037fs (NM_001130980.2, NM_001130981.2); c.3155del, p.Pro1052fs (NM_001130982.2); c.3020del, p.Pro1007fs (NM_001130984.2, NM_001130986.2); c.3113del, p.Pro1038fs (NM_001130985.2); short protein forms P1020fs, P1021fs, P1038fs, P1051fs, P1052fs, P1006fs, P1007fs, P1037fs.
Identifiers: ClinVar variation 813963 (VCV000813963.1), dbSNP rs753711667, ClinGen allele CA426702052.